The following is an entry in ClinVar:

ClinVar aggregate classification (germline): Conflicting classifications of pathogenicity. Review status: criteria provided, conflicting classifications (1 of 4 stars). 3 submissions from 2 submitters: Uncertain significance (2); Likely benign (1). Last evaluated 2026-02-01.

Conditions:
Vitreoretinopathy. Also called: Vitreoretinal degeneration. Identifiers: MedGen C0344290, MONDO:0020248, HP:0007773.
Wagner disease. Also called: Wagner Vitreoretinal Degeneration (Wagner Synrdome); WAGNER SYNDROME 1; HYALOIDEORETINAL DEGENERATION OF WAGNER; Wagner syndrome; WAGNER VITREORETINAL DEGENERATION; WAGNER VITREORETINOPATHY. Identifiers: Orphanet 898, MedGen C1840452, MONDO:0007740, OMIM 143200.

Allele frequency attached by ClinVar (database versions not stated): TOPMed below 0.00001; gnomAD 0.00001; gnomAD exomes 0.00001.
gnomAD v4.1: 11 of 1,613,942 alleles (0.00068%); highest among the groups gnomAD compares: Non-Finnish European, 0.00085%; no homozygotes.

Submissions (3):

CeGaT Center for Human Genetics Tuebingen
Classification: Likely benign. Last evaluated: 2026-02-01. Review status: criteria provided, single submitter. Criteria: CeGaT Center For Human Genetics Tuebingen Variant Classification Criteria Version 2. Collection method: clinical testing. Allele origin: germline. Affected: yes. Observed: 1 variant allele.
Comment: VCAN: BP1

Illumina Laboratory Services, Illumina
Classification: Uncertain significance for Vitreoretinopathy. Last evaluated: 2018-01-13. Review status: criteria provided, single submitter. Criteria: ICSL Variant Classification Criteria 13 December 2019. Collection method: clinical testing. Allele origin: germline.

Illumina Laboratory Services, Illumina
Classification: Uncertain significance for Wagner disease. Last evaluated: 2018-01-13. Review status: criteria provided, single submitter. Criteria: ICSL Variant Classification Criteria 13 December 2019. Collection method: clinical testing. Allele origin: germline.

NM_004385.5(VCAN):c.8474C>T (p.Pro2825Leu)

Genes: VCAN (versican; plus strand), VCAN-AS1 (VCAN antisense RNA 1; minus strand). Cytogenetic location: 5q14.3.
Variant type: single nucleotide variant.
Coding change: c.8474C>T on transcript NM_004385.5 (MANE Select); coding-DNA position 8474, C replaced by T.
Protein change: p.Pro2825Leu; replaces proline 2825 with leucine.
Molecular consequence: missense variant. On other transcripts: intron variant (2).
Genome position (GRCh38, 1-based): chr5:83,541,477, C>T. VCF-style: chr5-83541477-C-T. GRCh37 (hg19) VCF-style: chr5-82837296-C-T.
Other names: c.5513C>T, p.Pro1838Leu (NM_001164097.2); c.4004-4060C>T (NM_001164098.2); c.1043-4060C>T (NM_001126336.3); short protein forms P2825L, P1838L.
Identifiers: ClinVar variation 905032 (VCV000905032.8), dbSNP rs969739770, ClinGen allele CA121776715.
Genomic context (GRCh38, chr5:83,541,477, plus strand): 5'-CATATTACACTGATACAACATTAGCAGTTTCAACATTTGCGAAGTTGTCTTCTCAGACAC[C>T]ATCATCTCCCCTCACTATCTACTCAGGCAGTGAAGCCTCTGGACACACAGAGATCCCCCA-3'
Protein context (NP_004376.2, residues 2815-2835): STFAKLSSQT[Pro2825Leu]SSPLTIYSGS